The following is an entry in ClinVar:

ClinVar aggregate classification (germline): Uncertain significance. Review status: criteria provided, multiple submitters, no conflicts (2 of 4 stars). 2 submissions from 2 submitters: Uncertain significance (2). Last evaluated 2025-12-16.

Submissions (2):

Labcorp Genetics (formerly Invitae), Labcorp
Classification: Uncertain significance. Last evaluated: 2025-12-16. Review status: criteria provided, single submitter. Criteria: Invitae Variant Classification Sherloc (09022015). Collection method: clinical testing. Allele origin: germline.
Comment: This sequence change replaces valine, which is neutral and non-polar, with alanine, which is neutral and non-polar, at codon 19 of the DEAF1 protein (p.Val19Ala). Information on the frequency of this variant in the gnomAD database is not available, as this variant may be reported differently in the database. This variant has not been reported in the literature in individuals affected with DEAF1-related conditions. ClinVar contains an entry for this variant (Variation ID: 3390293). An algorithm developed to predict the effect of missense changes on protein structure and function (PolyPhen-2) suggests that this variant is likely to be tolerated. In summary, the available evidence is currently insufficient to determine the role of this variant in disease. Therefore, it has been classified as a Variant of Uncertain Significance.

CeGaT Center for Human Genetics Tuebingen
Classification: Uncertain significance. Last evaluated: 2024-10-01. Review status: criteria provided, single submitter. Criteria: CeGaT Center For Human Genetics Tuebingen Variant Classification Criteria Version 2. Collection method: clinical testing. Allele origin: germline. Affected: yes. Observed: 1 variant allele.

NM_021008.4(DEAF1):c.56_57delinsCC (p.Val19Ala)

Gene: DEAF1 (DEAF1 transcription factor; minus strand). Cytogenetic location: 11p15.5.
Variant type: Indel.
Coding change: c.56_57delinsCC on transcript NM_021008.4 (MANE Select); coding-DNA positions 56 to 57, TG replaced by CC.
Protein change: p.Val19Ala; replaces valine 19 with alanine.
Molecular consequence: missense variant. On other transcripts: intron variant (1).
Genome position (GRCh38, 1-based): chr11:694,991-694,992, CA replaced by GG on the plus strand (TG replaced by CC on the coding strand, the reverse complement: DEAF1 is on the minus strand). VCF-style: chr11-694991-CA-GG. GRCh37 (hg19) VCF-style: chr11-694991-CA-GG.
Other names: c.56_57delTGinsCC, p.Val19Ala (NM_001293634.2); c.-437-3394_-437-3393delinsCC (NM_001367390.1); short protein forms V19A.
Identifiers: ClinVar variation 3390293 (VCV003390293.16).